The following is an entry in ClinVar:

NM_182961.4(SYNE1):c.18012+10G>T

Gene: SYNE1 (spectrin repeat containing nuclear envelope protein 1; minus strand). Cytogenetic location: 6q25.2.
Variant type: single nucleotide variant.
Coding change: c.18012+10G>T on transcript NM_182961.4 (MANE Select); 10 bases into the intron after coding-DNA position 18012, G replaced by T.
Molecular consequence: intron variant.
Genome position (GRCh38, 1-based): chr6:152,293,578, C>A on the plus strand (G>T on the coding strand, the complement: SYNE1 is on the minus strand). VCF-style: chr6-152293578-C-A. GRCh37 (hg19) VCF-style: chr6-152614713-C-A.
Other names: p.?; c.17799+10G>T (NM_033071.5).
Identifiers: ClinVar variation 4683227 (VCV004683227.2).

ClinVar aggregate classification (germline): Likely benign. Review status: criteria provided, multiple submitters, no conflicts (2 of 4 stars). 2 submissions from 2 submitters: Likely benign (2). Last evaluated 2025-12-21.

Conditions:
Emery-Dreifuss muscular dystrophy 4, autosomal dominant (EDMD4). Also called: EMERY-DREIFUSS MUSCULAR DYSTROPHY 4 WITH VARIABLE FEATURES. Identifiers: Orphanet 261, MedGen C2751807, MONDO:0013071, OMIM 612998.
Autosomal recessive ataxia, Beauce type. Also called: Spinocerebellar ataxia, autosomal recessive 8; ATAXIA, RECESSIVE, OF BEAUCE; SYNE1-Related Autosomal Recessive Cerebellar Ataxia; SYNE1 Deficiency. Identifiers: Orphanet 88644, MedGen C1853116, MONDO:0012549, OMIM 610743.

gnomAD v4.1: 21 of 1,613,938 alleles (0.0013%); highest among the groups gnomAD compares: African/African-American, 0.028%; no homozygotes.

Submissions (2):

Labcorp Genetics (formerly Invitae), Labcorp
Classification: Likely benign for Emery-Dreifuss muscular dystrophy 4, autosomal dominant; Autosomal recessive ataxia, Beauce type. Last evaluated: 2025-12-21. Review status: criteria provided, single submitter. Criteria: Invitae Variant Classification Sherloc (09022015). Collection method: clinical testing. Allele origin: germline.

Mayo Clinic Laboratories, Mayo Clinic
Classification: Likely benign. Last evaluated: 2025-07-31. Review status: criteria provided, single submitter. Criteria: ACMG Guidelines, 2015. Collection method: clinical testing. Allele origin: germline. Observed: 1 variant allele.
Comment: BP4, BP7